The following is an entry in ClinVar:

NM_020041.3(SLC2A9):c.107G>A (p.Cys36Tyr)

Genes: SLC2A9 (solute carrier family 2 member 9; minus strand), SLC2A9-AS3 (SLC2A9 antisense RNA 3; plus strand). Cytogenetic location: 4p16.1.
Variant type: single nucleotide variant.
Coding change: c.107G>A on transcript NM_020041.3 (MANE Select); coding-DNA position 107, G replaced by A.
Protein change: p.Cys36Tyr; replaces cysteine 36 with tyrosine.
Molecular consequence: missense variant. On other transcripts: intron variant (1).
Genome position (GRCh38, 1-based): chr4:10,021,323, C>T on the plus strand (G>A on the coding strand, the complement: SLC2A9 is on the minus strand). VCF-style: chr4-10021323-C-T. GRCh37 (hg19) VCF-style: chr4-10022947-C-T.
Other names: c.64-2250G>A (NM_001001290.2); c.107G>A (NM_020041.2); short protein forms C36Y.
Identifiers: ClinVar variation 1122291 (VCV001122291.8), dbSNP rs144053854, ClinGen allele CA2857351.

ClinVar aggregate classification (germline): Likely benign. Review status: criteria provided, multiple submitters, no conflicts (2 of 4 stars). 2 submissions from 2 submitters: Likely benign (2). Last evaluated 2025-10-23.

Conditions:
SLC2A9-related disorder. Also called: SLC2A9-related condition.

Allele frequency attached by ClinVar (database versions not stated): gnomAD exomes 0.00009 and 0.00027; ExAC 0.00034; ESP Exome Variant Server 0.00115; gnomAD 0.00117 and 0.00130; 1000 Genomes Project 0.00120; 1000 Genomes Project 30x 0.00125; TOPMed 0.00126.
gnomAD v4.1: 312 of 1,614,188 alleles (0.019%); highest among the groups gnomAD compares: African/African-American, 0.37%; no homozygotes.

Submissions (2):

Labcorp Genetics (formerly Invitae), Labcorp
Classification: Likely benign. Last evaluated: 2025-10-23. Review status: criteria provided, single submitter. Criteria: Invitae Variant Classification Sherloc (09022015). Collection method: clinical testing. Allele origin: germline.

PreventionGenetics, part of Exact Sciences
Classification: Likely benign for SLC2A9-related condition. Last evaluated: 2025-03-19. Review status: criteria provided, single submitter. Criteria: ACMG Guidelines, 2015. Collection method: clinical testing. Allele origin: germline.
Comment: This variant is classified as likely benign based on ACMG/AMP sequence variant interpretation guidelines (Richards et al. 2015 PMID: 25741868, with internal and published modifications).